The following is an entry in ClinVar:

ClinVar aggregate classification (germline): Conflicting classifications of pathogenicity. Review status: criteria provided, conflicting classifications (1 of 4 stars). 4 submissions from 4 submitters: Uncertain significance (2); Likely benign (2). Last evaluated 2025-12-13.

Conditions:
Cardiovascular phenotype. Identifiers: MedGen CN230736.
X-linked Emery-Dreifuss muscular dystrophy. Also called: Muscular dystrophy, tardive Emery-Dreifuss type, with contractures. Identifiers: Orphanet 261, Orphanet 98863, MedGen C0751337, MONDO:0010680.

Allele frequency attached by ClinVar (database versions not stated): TOPMed 0.00002.
gnomAD v4.1: 8 of 1,209,758 alleles (0.00066%); highest among the groups gnomAD compares: Non-Finnish European, 0.00089%; no homozygotes.

Submissions (4):

Labcorp Genetics (formerly Invitae), Labcorp
Classification: Likely benign for X-linked Emery-Dreifuss muscular dystrophy. Last evaluated: 2025-12-13. Review status: criteria provided, single submitter. Criteria: Invitae Variant Classification Sherloc (09022015). Collection method: clinical testing. Allele origin: germline.

Blueprint Genetics
Classification: Likely benign. Last evaluated: 2024-03-05. Review status: criteria provided, single submitter. Criteria: ACMG Guidelines, 2015. Collection method: clinical testing. Allele origin: germline.

Ambry Genetics
Classification: Uncertain significance for Cardiovascular phenotype. Last evaluated: 2021-03-05. Review status: criteria provided, single submitter. Criteria: Ambry Variant Classification Scheme 2023. Collection method: clinical testing. Allele origin: germline.
Comment: The c.495G>T variant (also known as p.T165T), located in coding exon 6 of the EMD gene, results from a G to T substitution at nucleotide position 495. This nucleotide substitution does not change the threonine at codon 165. Based on data from gnomAD, the T allele has an overall frequency of 0.0005% (1/182896) total alleles studied, with no hemizygotes observed. The highest observed frequency was 0.001% (1/81705) of non-Finnish European alleles. This nucleotide position is not well conserved in available vertebrate species. In silico splice site analysis for this alteration is inconclusive. Since supporting evidence is limited at this time, the clinical significance of this alteration remains unclear.

Eurofins Ntd Llc (ga)
Classification: Uncertain significance. Last evaluated: 2016-10-31. Review status: criteria provided, single submitter. Criteria: EGL Classification Definitions 2015. Collection method: clinical testing. Allele origin: germline. Observed: 1 variant allele, 1 heterozygote.

NM_000117.3(EMD):c.495G>T (p.Thr165=)

Gene: EMD (emerin; plus strand). Cytogenetic location: Xq28.
Variant type: single nucleotide variant.
Coding change: c.495G>T on transcript NM_000117.3 (MANE Select); coding-DNA position 495, G replaced by T.
Protein change: p.Thr165=; no amino-acid change (threonine 165 retained).
Molecular consequence: synonymous variant.
Genome position (GRCh38, 1-based): chrX:154,380,927, G>T. VCF-style: chrX-154380927-G-T. GRCh37 (hg19) VCF-style: chrX-153609287-G-T.
Identifiers: ClinVar variation 498258 (VCV000498258.21), dbSNP rs151074632, ClinGen allele CA519709959.